The following is an entry in ClinVar:

NM_002016.2(FLG):c.12039T>C (p.Asp4013=)

Genes: CCDST (cervical cancer associated DHX9 suppressive transcript; plus strand), FLG (filaggrin; minus strand). Cytogenetic location: 1q21.3.
Variant type: single nucleotide variant.
Coding change: c.12039T>C on transcript NM_002016.2 (MANE Select); coding-DNA position 12039, T replaced by C.
Protein change: p.Asp4013=; no amino-acid change (aspartic acid 4013 retained).
Molecular consequence: synonymous variant.
Genome position (GRCh38, 1-based): chr1:152,302,847, A>G on the plus strand (T>C on the coding strand, the complement: FLG is on the minus strand). VCF-style: chr1-152302847-A-G. GRCh37 (hg19) VCF-style: chr1-152275323-A-G.
Identifiers: ClinVar variation 4084779 (VCV004084779.8).

ClinVar aggregate classification (germline): Likely benign (1 of 4 stars; one submission).

gnomAD v4.1: 9 of 1,614,096 alleles (0.00056%); highest among the groups gnomAD compares: South Asian, 0.0077%; no homozygotes.

Submission:

CeGaT Center for Human Genetics Tuebingen
Classification: Likely benign. Last evaluated: 2025-07-01. Review status: criteria provided, single submitter. Criteria: CeGaT Center For Human Genetics Tuebingen Variant Classification Criteria Version 2. Collection method: clinical testing. Allele origin: germline. Affected: yes. Observed: 1 variant allele.
Comment: FLG: BP4, BP7